The following is an entry in ClinVar:

ClinVar aggregate classification (germline): Uncertain significance (1 of 4 stars; one submission).

Submission:

GeneDx
Classification: Uncertain significance. Last evaluated: 2023-05-31. Review status: criteria provided, single submitter. Criteria: GeneDx Variant Classification Process June 2021. Collection method: clinical testing. Allele origin: germline. Affected: yes.
Comment: Has not been previously published as pathogenic or benign to our knowledge; Not observed at significant frequency in large population cohorts (gnomAD); In silico analysis supports that this missense variant does not alter protein structure/function

NM_002471.4(MYH6):c.4165G>C (p.Glu1389Gln)

Gene: MYH6 (myosin heavy chain 6; minus strand). Cytogenetic location: 14q11.2.
Variant type: single nucleotide variant.
Coding change: c.4165G>C on transcript NM_002471.4 (MANE Select); coding-DNA position 4165, G replaced by C.
Protein change: p.Glu1389Gln; replaces glutamic acid 1389 with glutamine.
Molecular consequence: missense variant.
Genome position (GRCh38, 1-based): chr14:23,388,869, C>G on the plus strand (G>C on the coding strand, the complement: MYH6 is on the minus strand). VCF-style: chr14-23388869-C-G. GRCh37 (hg19) VCF-style: chr14-23858078-C-G.
Other names: short protein forms E1389Q.
Identifiers: ClinVar variation 3343590 (VCV003343590.1).